The following is an entry in ClinVar:

NM_001276345.2(TNNT2):c.344T>C (p.Leu115Pro)

Gene: TNNT2 (troponin T2, cardiac type; minus strand). Cytogenetic location: 1q32.1.
Variant type: single nucleotide variant.
Coding change: c.344T>C on transcript NM_001276345.2 (MANE Select); coding-DNA position 344, T replaced by C.
Protein change: p.Leu115Pro; replaces leucine 115 with proline.
Molecular consequence: missense variant. On other transcripts: intron variant (1).
Genome position (GRCh38, 1-based): chr1:201,365,258, A>G on the plus strand (T>C on the coding strand, the complement: TNNT2 is on the minus strand). VCF-style: chr1-201365258-A-G. GRCh37 (hg19) VCF-style: chr1-201334386-A-G.
Other names: c.344T>C, p.Leu115Pro (NM_000364.4); c.314T>C, p.Leu105Pro (NM_001001430.3, NM_001001431.3, NM_001276347.2); c.299T>C, p.Leu100Pro (NM_001001432.3); c.291+352T>C (NM_001276346.2); short protein forms L100P, L105P, L115P.
Identifiers: ClinVar variation 1002250 (VCV001002250.8), dbSNP rs1659438954, ClinGen allele CA344206426.
Genomic context (GRCh38, chr1:201,365,258, plus strand): 5'-TCTTTGAGAGAAACGAGCTCCTCCTCCTCTTTCTTCCTGTTCTCAAAGTGAGCCTCGATC[A>G]GCGCCTGCAACTCATTCAGGTCCTTCTCCATGCGCTTCCGGTGGATGTCCTGTGGGTGGA-3'
Protein context (NP_001263274.1, residues 105-125): MEKDLNELQA[Leu115Pro]IEAHFENRKK

ClinVar aggregate classification (germline): Uncertain significance (1 of 4 stars; one submission).

Conditions:
Dilated cardiomyopathy 1D. Identifiers: Orphanet 154, Orphanet 54260, MedGen C1832243, MONDO:0011095, OMIM 601494.
Cardiomyopathy, familial restrictive, 3. Identifiers: Orphanet 75249, MedGen C2676271, MONDO:0012900, OMIM 612422.
Hypertrophic cardiomyopathy 2. Also called: TNNT2-Related Familial Hypertrophic Cardiomyopathy. Identifiers: MedGen C1861864, MONDO:0007266, OMIM 115195.

Submission:

Labcorp Genetics (formerly Invitae), Labcorp
Classification: Uncertain significance for Cardiomyopathy, familial restrictive, 3; Hypertrophic cardiomyopathy 2; Dilated cardiomyopathy 1D. Last evaluated: 2022-03-18. Review status: criteria provided, single submitter. Criteria: Invitae Variant Classification Sherloc (09022015). Collection method: clinical testing. Allele origin: germline.
Comment: This sequence change replaces leucine, which is neutral and non-polar, with proline, which is neutral and non-polar, at codon 105 of the TNNT2 protein (p.Leu105Pro). This variant is not present in population databases (gnomAD no frequency). This variant has not been reported in the literature in individuals affected with TNNT2-related conditions. ClinVar contains an entry for this variant (Variation ID: 1002250). Algorithms developed to predict the effect of missense changes on protein structure and function (SIFT, PolyPhen-2, Align-GVGD) all suggest that this variant is likely to be disruptive. In summary, the available evidence is currently insufficient to determine the role of this variant in disease. Therefore, it has been classified as a Variant of Uncertain Significance.